The following is an entry in ClinVar:

NM_022437.3(ABCG8):c.622A>G (p.Met208Val)

Gene: ABCG8 (ATP binding cassette subfamily G member 8; plus strand). Cytogenetic location: 2p21.
Variant type: single nucleotide variant.
Coding change: c.622A>G on transcript NM_022437.3 (MANE Select); coding-DNA position 622, A replaced by G.
Protein change: p.Met208Val; replaces methionine 208 with valine.
Molecular consequence: missense variant.
Genome position (GRCh38, 1-based): chr2:43,852,414, A>G. VCF-style: chr2-43852414-A-G. GRCh37 (hg19) VCF-style: chr2-44079553-A-G.
Other names: c.622A>G (NM_022437.2); c.622A>G, p.Met208Val (NM_001357321.2); short protein forms M208V.
Identifiers: ClinVar variation 2190630 (VCV002190630.4), dbSNP rs1668951656, ClinGen allele CA346666048.
Genomic context (GRCh38, chr2:43,852,414, plus strand): 5'-GTGGAGGACGTGATCGCGGAGCTGCGGCTTAGGCAGTGCGCTGACACCCGCGTGGGCAAC[A>G]TGTACGTGCGGGGGTTGTCGGGGGGTGAGCGCAGGAGAGTCAGCATTGGGGTGCAGCTCC-3'
Protein context (NP_071882.1, residues 198-218): RQCADTRVGN[Met208Val]YVRGLSGGER

ClinVar aggregate classification (germline): Uncertain significance. Review status: criteria provided, multiple submitters, no conflicts (2 of 4 stars). 2 submissions from 2 submitters: Uncertain significance (2). Last evaluated 2024-10-08.

Conditions:
Cardiovascular phenotype. Identifiers: MedGen CN230736.

Allele frequency attached by ClinVar (database versions not stated): gnomAD exomes below 0.00001; TOPMed below 0.00001.
gnomAD v4.1: 2 of 1,612,608 alleles (0.00012%); highest among the groups gnomAD compares: Non-Finnish European, 0.00017%; no homozygotes.

Submissions (2):

Labcorp Genetics (formerly Invitae), Labcorp
Classification: Uncertain significance. Last evaluated: 2024-10-08. Review status: criteria provided, single submitter. Criteria: Invitae Variant Classification Sherloc (09022015). Collection method: clinical testing. Allele origin: germline.
Comment: This sequence change replaces methionine, which is neutral and non-polar, with valine, which is neutral and non-polar, at codon 208 of the ABCG8 protein (p.Met208Val). This variant is not present in population databases (gnomAD no frequency). This variant has not been reported in the literature in individuals affected with ABCG8-related conditions. ClinVar contains an entry for this variant (Variation ID: 2190630). Invitae Evidence Modeling of protein sequence and biophysical properties (such as structural, functional, and spatial information, amino acid conservation, physicochemical variation, residue mobility, and thermodynamic stability) indicates that this missense variant is not expected to disrupt ABCG8 protein function with a negative predictive value of 80%. In summary, the available evidence is currently insufficient to determine the role of this variant in disease. Therefore, it has been classified as a Variant of Uncertain Significance.

Ambry Genetics
Classification: Uncertain significance for Cardiovascular phenotype. Last evaluated: 2024-05-02. Review status: criteria provided, single submitter. Criteria: Ambry Variant Classification Scheme 2023. Collection method: clinical testing. Allele origin: germline.
Comment: The p.M208V variant (also known as c.622A>G), located in coding exon 5 of the ABCG8 gene, results from an A to G substitution at nucleotide position 622. The methionine at codon 208 is replaced by valine, an amino acid with highly similar properties. This amino acid position is conserved. In addition, this alteration is predicted to be tolerated by in silico analysis. Based on the available evidence, the clinical significance of this variant remains unclear.